The following is an entry in ClinVar:

ClinVar aggregate classification (germline): Uncertain significance. Review status: criteria provided, multiple submitters, no conflicts (2 of 4 stars). 2 submissions from 2 submitters: Uncertain significance (2). Last evaluated 2024-03-14.

Conditions:
Infantile-onset ascending hereditary spastic paralysis (IAHSP). Also called: Infantile-Onset Ascending Hereditary Spastic Paralysis (IAHSP); Autosomal Recessive Juvenile Amyotrophic Lateral Sclerosis. Identifiers: Orphanet 293168, MedGen C2931441, MONDO:0011797, OMIM 607225. Disease mechanism: loss of function.
Inborn genetic diseases. Identifiers: MedGen C0950123, MeSH D030342.

Allele frequency attached by ClinVar (database versions not stated): gnomAD exomes below 0.00001 and 0.00002.
gnomAD v4.1: 9 of 1,614,136 alleles (0.00056%); highest among the groups gnomAD compares: Non-Finnish European, 0.00076%; no homozygotes.

Submissions (2):

Ambry Genetics
Classification: Uncertain significance for Inborn genetic diseases. Last evaluated: 2024-03-14. Review status: criteria provided, single submitter. Criteria: Ambry Variant Classification Scheme 2023. Collection method: clinical testing. Allele origin: germline.

Labcorp Genetics (formerly Invitae), Labcorp
Classification: Uncertain significance for Infantile-onset ascending hereditary spastic paralysis. Last evaluated: 2022-02-09. Review status: criteria provided, single submitter. Criteria: Invitae Variant Classification Sherloc (09022015). Collection method: clinical testing. Allele origin: germline.
Comment: This sequence change replaces glycine, which is neutral and non-polar, with aspartic acid, which is acidic and polar, at codon 414 of the ALS2 protein (p.Gly414Asp). This variant is not present in population databases (gnomAD no frequency). This variant has not been reported in the literature in individuals affected with ALS2-related conditions. Algorithms developed to predict the effect of missense changes on protein structure and function are either unavailable or do not agree on the potential impact of this missense change (SIFT: "Deleterious"; PolyPhen-2: "Probably Damaging"; Align-GVGD: "Class C0"). In summary, the available evidence is currently insufficient to determine the role of this variant in disease. Therefore, it has been classified as a Variant of Uncertain Significance.

NM_020919.4(ALS2):c.1241G>A (p.Gly414Asp)

Gene: ALS2 (alsin Rho guanine nucleotide exchange factor ALS2; minus strand). Cytogenetic location: 2q33.1.
Variant type: single nucleotide variant.
Coding change: c.1241G>A on transcript NM_020919.4 (MANE Select); coding-DNA position 1241, G replaced by A.
Protein change: p.Gly414Asp; replaces glycine 414 with aspartic acid.
Molecular consequence: missense variant.
Genome position (GRCh38, 1-based): chr2:201,757,632, C>T on the plus strand (G>A on the coding strand, the complement: ALS2 is on the minus strand). VCF-style: chr2-201757632-C-T. GRCh37 (hg19) VCF-style: chr2-202622355-C-T.
Other names: c.1241G>A (NM_020919.3); short protein forms G414D.
Identifiers: ClinVar variation 1438460 (VCV001438460.4), dbSNP rs1559079541, ClinGen allele CA350326958.